The following is an entry in ClinVar:

ClinVar aggregate classification (germline): Benign/Likely benign. Review status: criteria provided, multiple submitters, no conflicts (2 of 4 stars). 9 submissions from 9 submitters: Benign (8); Likely benign (1). Last evaluated 2026-02-04.

Conditions:
Bartter disease type 4A. Also called: BARTTER SYNDROME, TYPE 4A, NEONATAL, WITH SENSORINEURAL DEAFNESS; BARTTER SYNDROME, NEONATAL, WITH SENSORINEURAL DEAFNESS. Identifiers: Orphanet 112, MedGen C1865270, MONDO:0011242, OMIM 602522.

Allele frequency attached by ClinVar (database versions not stated): gnomAD exomes 0.06427 and 0.02931; gnomAD 0.06761 and 0.06827; TOPMed 0.08061; 1000 Genomes Project 30x 0.09806; 1000 Genomes Project 0.09984; ESP Exome Variant Server 0.06089; ExAC 0.06329.
gnomAD v4.1: 53,735 of 1,600,054 alleles (3.4%); highest among the groups gnomAD compares: African/African-American, 15%; 2,557 homozygotes.

Submissions (13):

Labcorp Genetics (formerly Invitae), Labcorp
Classification: Benign. Last evaluated: 2026-02-04. Review status: criteria provided, single submitter. Criteria: Invitae Variant Classification Sherloc (09022015). Collection method: clinical testing. Allele origin: germline.

Blueprint Genetics
Classification: Likely benign. Last evaluated: 2024-11-26. Review status: criteria provided, single submitter. Criteria: ACMG Guidelines, 2015. Collection method: clinical testing. Allele origin: germline.

Genome-Nilou Lab
Classification: Benign for Bartter disease type 4A. Last evaluated: 2021-07-10. Review status: criteria provided, single submitter. Criteria: ACMG Guidelines, 2015. Collection method: clinical testing. Allele origin: germline. Affected: no.

GeneDx
Classification: Benign. Last evaluated: 2018-07-05. Review status: criteria provided, single submitter. Criteria: GeneDx Variant Classification Process June 2021. Collection method: clinical testing. Allele origin: germline. Affected: yes.

Illumina Laboratory Services, Illumina
Classification: Benign for Bartter disease type 4A. Last evaluated: 2018-01-12. Review status: criteria provided, single submitter. Criteria: ICSL Variant Classification Criteria 13 December 2019. Collection method: clinical testing. Allele origin: germline.
Comment: This variant was observed in the ICSL laboratory as part of a predisposition screen in an ostensibly healthy population. It had not been previously curated by ICSL or reported in the Human Gene Mutation Database (HGMD: prior to June 1st, 2018), and was therefore a candidate for classification through an automated scoring system. Utilizing variant allele frequency, disease prevalence and penetrance estimates, and inheritance mode, an automated score was calculated to assess if this variant is too frequent to cause the disease. Based on the score and internal cut-off values, a variant classified as benign is not then subjected to further curation. The score for this variant resulted in a classification of benign for this disease.

Eurofins Ntd Llc (ga)
Classification: Benign. Last evaluated: 2016-04-29. Review status: criteria provided, single submitter. Criteria: EGL Classification Definitions 2015. Collection method: clinical testing. Allele origin: germline. Observed: 1 variant allele, 1 heterozygote.

Laboratory for Molecular Medicine, Mass General Brigham Personalized Medicine
Classification: Benign. Last evaluated: 2012-04-30. Review status: criteria provided, single submitter. Criteria: LMM Criteria. Collection method: clinical testing. Allele origin: germline. Observed: 164 variant alleles.
Comment: 177+11G>A in Intron 01 of BSND: This variant is not expected to have clinical si gnificance because it is not located within the conserved splice consensus seque nce and has been identified in 14.5% (543/3738) of African American chromosomes from a broad population by the NHLBI Exome Sequencing Project (dbSNP rs78904893).

Breakthrough Genomics
Classification: Benign. Review status: criteria provided, single submitter. Criteria: ACMG Guidelines, 2015. Collection method: not provided. Allele origin: germline. Inheritance: Autosomal recessive inheritance. Affected: yes.

PreventionGenetics, part of Exact Sciences
Classification: Benign. Review status: criteria provided, single submitter. Criteria: ACMG Guidelines, 2015. Collection method: clinical testing. Allele origin: germline.

Dr. Peter K. Rogan Lab, Western University
No classification provided (evidence only). Condition: Sarcoma. Review status: no classification provided. Collection method: in vitro. Allele origin: not applicable. Functional consequence: retained intron. Not counted in ClinVar's aggregate classification.

Dr. Peter K. Rogan Lab, Western University
No classification provided (evidence only). Condition: Cholangiocarcinoma. Review status: no classification provided. Collection method: in vitro. Allele origin: not applicable. Functional consequence: retained intron. Not counted in ClinVar's aggregate classification.

Dr. Peter K. Rogan Lab, Western University
No classification provided (evidence only). Condition: Gastric cancer. Review status: no classification provided. Collection method: in vitro. Allele origin: not applicable. Functional consequence: retained intron. Not counted in ClinVar's aggregate classification.

Dr. Peter K. Rogan Lab, Western University
No classification provided (evidence only). Condition: Gastric cancer. Review status: no classification provided. Collection method: in vitro. Allele origin: not applicable. Functional consequence: retained intron. Not counted in ClinVar's aggregate classification.

NM_057176.3(BSND):c.177+11G>A

Gene: BSND (barttin CLCNK type accessory subunit beta; plus strand). Cytogenetic location: 1p32.3.
Variant type: single nucleotide variant.
Coding change: c.177+11G>A on transcript NM_057176.3 (MANE Select); 11 bases into the intron after coding-DNA position 177, G replaced by A.
Molecular consequence: intron variant.
Genome position (GRCh38, 1-based): chr1:54,999,374, G>A. VCF-style: chr1-54999374-G-A. GRCh37 (hg19) VCF-style: chr1-55465047-G-A.
Identifiers: ClinVar variation 46546 (VCV000046546.27), dbSNP rs78904893, ClinGen allele CA138599.